The following is an entry in ClinVar:

NM_000245.4(MET):c.3731A>C (p.Lys1244Thr)

Gene: MET (MET proto-oncogene, receptor tyrosine kinase; plus strand). Cytogenetic location: 7q31.2.
Variant type: single nucleotide variant.
Coding change: c.3731A>C on transcript NM_000245.4 (MANE Select); coding-DNA position 3731, A replaced by C.
Protein change: p.Lys1244Thr; replaces lysine 1244 with threonine.
Molecular consequence: missense variant.
Genome position (GRCh38, 1-based): chr7:116,783,402, A>C. VCF-style: chr7-116783402-A-C. GRCh37 (hg19) VCF-style: chr7-116423456-A-C.
Other names: c.3785A>C (NM_001127500.1); c.3785A>C, p.Lys1262Thr (NM_001127500.3); c.2441A>C, p.Lys814Thr (NM_001324402.2); short protein forms K1262T, K814T, K1244T.
Identifiers: ClinVar variation 1420031 (VCV001420031.7), dbSNP rs121913677, ClinGen allele CA368991796.

ClinVar aggregate classification (germline): Uncertain significance. Review status: criteria provided, multiple submitters, no conflicts (2 of 4 stars). 2 submissions from 2 submitters: Uncertain significance (2). Last evaluated 2024-02-24.

Conditions:
Renal cell carcinoma. Identifiers: Orphanet 217071, MedGen C0007134, MeSH D002292, MONDO:0005086, HP:0005584.
Hereditary cancer-predisposing syndrome. Also called: Neoplastic Syndromes, Hereditary; Hereditary Cancer Syndrome; Hereditary neoplastic syndrome; Tumor predisposition. Identifiers: Orphanet 140162, MedGen C0027672, MeSH D009386, MONDO:0015356.

Allele frequency attached by ClinVar (database versions not stated): gnomAD 0.00001.
gnomAD v4.1: 1 of 1,614,182 alleles (0.000062%); highest among the groups gnomAD compares: Non-Finnish European, 0.000085%; no homozygotes.

Submissions (2):

Labcorp Genetics (formerly Invitae), Labcorp
Classification: Uncertain significance for Renal cell carcinoma. Last evaluated: 2024-02-24. Review status: criteria provided, single submitter. Criteria: Invitae Variant Classification Sherloc (09022015). Collection method: clinical testing. Allele origin: germline.
Comment: This sequence change replaces lysine, which is basic and polar, with threonine, which is neutral and polar, at codon 1262 of the MET protein (p.Lys1262Thr). This variant is not present in population databases (gnomAD no frequency). This variant has not been reported in the literature in individuals affected with MET-related conditions. ClinVar contains an entry for this variant (Variation ID: 1420031). Advanced modeling of protein sequence and biophysical properties (such as structural, functional, and spatial information, amino acid conservation, physicochemical variation, residue mobility, and thermodynamic stability) performed at Invitae indicates that this missense variant is expected to disrupt MET protein function with a positive predictive value of 80%. In summary, the available evidence is currently insufficient to determine the role of this variant in disease. Therefore, it has been classified as a Variant of Uncertain Significance.

Ambry Genetics
Classification: Uncertain significance for Hereditary cancer-predisposing syndrome. Last evaluated: 2023-12-29. Review status: criteria provided, single submitter. Criteria: Ambry Variant Classification Scheme 2023. Collection method: clinical testing. Allele origin: germline.
Comment: The p.K1262T variant (also known as c.3785A>C), located in coding exon 18 of the MET gene, results from an A to C substitution at nucleotide position 3785. The lysine at codon 1262 is replaced by threonine, an amino acid with similar properties. This amino acid position is conserved. In addition, the in silico prediction for this alteration is inconclusive. Since supporting evidence is limited at this time, the clinical significance of this alteration remains unclear.